The following is an entry in ClinVar:

NM_005263.5(GFI1):c.797C>T (p.Thr266Met)

Gene: GFI1 (growth factor independent 1 transcriptional repressor; minus strand). Cytogenetic location: 1p22.1.
Variant type: single nucleotide variant.
Coding change: c.797C>T on transcript NM_005263.5 (MANE Select); coding-DNA position 797, C replaced by T.
Protein change: p.Thr266Met; replaces threonine 266 with methionine.
Molecular consequence: missense variant.
Genome position (GRCh38, 1-based): chr1:92,480,475, G>A on the plus strand (C>T on the coding strand, the complement: GFI1 is on the minus strand). VCF-style: chr1-92480475-G-A. GRCh37 (hg19) VCF-style: chr1-92946032-G-A.
Other names: c.797C>T, p.Thr266Met (NM_001127216.3, NM_001127215.3); short protein forms T266M.
Identifiers: ClinVar variation 949003 (VCV000949003.9), dbSNP rs1658175470, ClinGen allele CA341148787.

ClinVar aggregate classification (germline): Uncertain significance (1 of 4 stars; one submission).

Conditions:
Neutropenia, severe congenital, 2, autosomal dominant. Identifiers: Orphanet 486, MedGen C2751288, MONDO:0013139, OMIM 613107.

Submission:

Labcorp Genetics (formerly Invitae), Labcorp
Classification: Uncertain significance for Neutropenia, severe congenital, 2, autosomal dominant. Last evaluated: 2019-11-08. Review status: criteria provided, single submitter. Criteria: Invitae Variant Classification Sherloc (09022015). Collection method: clinical testing. Allele origin: germline.
Comment: In summary, the available evidence is currently insufficient to determine the role of this variant in disease. Therefore, it has been classified as a Variant of Uncertain Significance. Algorithms developed to predict the effect of missense changes on protein structure and function are either unavailable or do not agree on the potential impact of this missense change (SIFT: "Deleterious"; PolyPhen-2: "Probably Damaging"; Align-GVGD: "Class C0"). This variant has not been reported in the literature in individuals with GFI1-related conditions. This variant is not present in population databases (ExAC no frequency). This sequence change replaces threonine with methionine at codon 266 of the GFI1 protein (p.Thr266Met). The threonine residue is highly conserved and there is a moderate physicochemical difference between threonine and methionine.